The following is an entry in ClinVar:

NM_005996.4(TBX3):c.61C>T (p.Leu21=)

Genes: TBX3 (T-box transcription factor 3; minus strand), TBX3-AS1 (TBX3 antisense RNA 1; plus strand). Cytogenetic location: 12q24.21.
Variant type: single nucleotide variant.
Coding change: c.61C>T on transcript NM_005996.4 (MANE Select); coding-DNA position 61, C replaced by T.
Protein change: p.Leu21=; no amino-acid change (leucine 21 retained).
Molecular consequence: synonymous variant.
Genome position (GRCh38, 1-based): chr12:114,683,140, G>A on the plus strand (C>T on the coding strand, the complement: TBX3 is on the minus strand). VCF-style: chr12-114683140-G-A. GRCh37 (hg19) VCF-style: chr12-115120945-G-A.
Other names: c.61C>T, p.Leu21= (NM_016569.4).
Identifiers: ClinVar variation 307378 (VCV000307378.49), dbSNP rs142592809, ClinGen allele CA6810275.

ClinVar aggregate classification (germline): Benign/Likely benign. Review status: criteria provided, multiple submitters, no conflicts (2 of 4 stars). 5 submissions from 5 submitters: Benign (3); Likely benign (2). Last evaluated 2026-07-01.

Conditions:
Ulnar-mammary syndrome (UMS). Also called: Ulnar-mammary syndrome of Pallister; PALLISTER ULNAR-MAMMARY SYNDROME; SCHINZEL SYNDROME. Identifiers: Orphanet 3138, MedGen C1866994, MONDO:0008411, OMIM 181450.

Allele frequency attached by ClinVar (database versions not stated): 1000 Genomes Project 30x 0.00203; 1000 Genomes Project 0.00240; gnomAD exomes 0.00607 and 0.00879; ExAC 0.00642; gnomAD 0.00648 and 0.00685; ESP Exome Variant Server 0.00658; TOPMed 0.00679.

Submissions (5):

CeGaT Center for Human Genetics Tuebingen
Classification: Benign. Last evaluated: 2026-07-01. Review status: criteria provided, single submitter. Criteria: CeGaT Center For Human Genetics Tuebingen Variant Classification Criteria Version 2. Collection method: clinical testing. Allele origin: germline. Affected: yes. Observed: 7 variant alleles.
Comment: TBX3-AS1: BS1, BS2; TBX3: BP4, BP7, BS1, BS2

Labcorp Genetics (formerly Invitae), Labcorp
Classification: Benign for Ulnar-mammary syndrome. Last evaluated: 2026-02-04. Review status: criteria provided, single submitter. Criteria: Invitae Variant Classification Sherloc (09022015). Collection method: clinical testing. Allele origin: germline.

GeneDx
Classification: Likely benign. Last evaluated: 2020-11-03. Review status: criteria provided, single submitter. Criteria: GeneDx Variant Classification Process June 2021. Collection method: clinical testing. Allele origin: germline. Affected: yes.

Illumina Laboratory Services, Illumina
Classification: Benign for Ulnar-mammary syndrome. Last evaluated: 2018-01-13. Review status: criteria provided, single submitter. Criteria: ICSL Variant Classification Criteria 13 December 2019. Collection method: clinical testing. Allele origin: germline.
Comment: This variant was observed in the ICSL laboratory as part of a predisposition screen in an ostensibly healthy population. It had not been previously curated by ICSL or reported in the Human Gene Mutation Database (HGMD: prior to June 1st, 2018), and was therefore a candidate for classification through an automated scoring system. Utilizing variant allele frequency, disease prevalence and penetrance estimates, and inheritance mode, an automated score was calculated to assess if this variant is too frequent to cause the disease. Based on the score and internal cut-off values, a variant classified as benign is not then subjected to further curation. The score for this variant resulted in a classification of benign for this disease.

Breakthrough Genomics
Classification: Likely benign. Review status: criteria provided, single submitter. Criteria: ACMG Guidelines, 2015. Collection method: not provided. Allele origin: germline. Inheritance: Autosomal dominant inheritance. Affected: yes.